The following is an entry in ClinVar:

NM_000179.3(MSH6):c.3643T>C (p.Leu1215=)

Gene: MSH6 (mutS homolog 6; plus strand). Cytogenetic location: 2p16.3.
Variant type: single nucleotide variant.
Coding change: c.3643T>C on transcript NM_000179.3 (MANE Select); coding-DNA position 3643, T replaced by C.
Protein change: p.Leu1215=; no amino-acid change (leucine 1215 retained).
Molecular consequence: synonymous variant.
Genome position (GRCh38, 1-based): chr2:47,805,704, T>C. VCF-style: chr2-47805704-T-C. GRCh37 (hg19) VCF-style: chr2-48032843-T-C.
Other names: c.3253T>C, p.Leu1085= (NM_001281492.2); c.2737T>C, p.Leu913= (NM_001281493.2, NM_001281494.2).
Identifiers: ClinVar variation 824023 (VCV000824023.12), dbSNP rs1572742174, ClinGen allele CA425997307.
Genomic context (GRCh38, chr2:47,805,704, plus strand): 5'-AGTGAAACTGCCAGCATACTCATGCATGCAACAGCACATTCTCTGGTGCTTGTGGATGAA[T>C]TAGGTAAGACATTAAACTTCTCATTTGAAGACTATCTATCTTAAAAACATTTGTACAAAT-3'
Protein context (NP_000170.1, residues 1205-1225): TAHSLVLVDE[Leu1215=]GRGTATFDGT

ClinVar aggregate classification (germline): Benign/Likely benign. Review status: criteria provided, multiple submitters, no conflicts (2 of 4 stars). 3 submissions from 3 submitters: Benign (1); Likely benign (2). Last evaluated 2025-01-07.

Conditions:
Hereditary nonpolyposis colorectal neoplasms. Identifiers: MedGen C0009405, MeSH D003123.
Hereditary cancer-predisposing syndrome. Also called: Neoplastic Syndromes, Hereditary; Tumor predisposition; Hereditary neoplastic syndrome; Hereditary Cancer Syndrome. Identifiers: Orphanet 140162, MedGen C0027672, MeSH D009386, MONDO:0015356.
Lynch syndrome 5 (LYNCH5). Also called: Colorectal cancer, hereditary nonpolyposis, type 5; Hereditary non-polyposis colorectal cancer, type 5. Identifiers: Orphanet 144, MedGen C1833477, MONDO:0013710, OMIM 614350. Disease mechanism: loss of function.

Submissions (3):

Myriad Genetics, Inc.
Classification: Benign for Lynch syndrome 5. Last evaluated: 2025-01-07. Review status: criteria provided, single submitter. Criteria: Myriad Autosomal Dominant, Autosomal Recessive and X-Linked Classification Criteria (2023). Collection method: clinical testing. Allele origin: unknown.
Comment: This variant is considered benign. This variant is a silent/synonymous amino acid change and it is not expected to impact splicing.

Labcorp Genetics (formerly Invitae), Labcorp
Classification: Likely benign for Hereditary nonpolyposis colorectal neoplasms. Last evaluated: 2021-10-18. Review status: criteria provided, single submitter. Criteria: Invitae Variant Classification Sherloc (09022015). Collection method: clinical testing. Allele origin: germline.

Ambry Genetics
Classification: Likely benign for Hereditary cancer-predisposing syndrome. Last evaluated: 2019-03-11. Review status: criteria provided, single submitter. Criteria: Ambry Variant Classification Scheme 2023. Collection method: clinical testing. Allele origin: germline.